The following is an entry in ClinVar:

NM_006618.5(KDM5B):c.425G>T (p.Gly142Val)

Gene: KDM5B (lysine demethylase 5B; minus strand). Cytogenetic location: 1q32.1.
Variant type: single nucleotide variant.
Coding change: c.425G>T on transcript NM_006618.5 (MANE Select); coding-DNA position 425, G replaced by T.
Protein change: p.Gly142Val; replaces glycine 142 with valine.
Molecular consequence: missense variant.
Genome position (GRCh38, 1-based): chr1:202,773,269, C>A on the plus strand (G>T on the coding strand, the complement: KDM5B is on the minus strand). VCF-style: chr1-202773269-C-A. GRCh37 (hg19) VCF-style: chr1-202742397-C-A.
Other names: c.425G>T, p.Gly142Val (NM_001314042.2, NM_001347591.2); c.410G>T, p.Gly137Val (NM_001399817.1); short protein forms G137V, G142V.
Identifiers: ClinVar variation 5043482 (VCV005043482.1).

ClinVar aggregate classification (germline): Uncertain significance (1 of 4 stars; one submission).

Conditions:
Neurodeveopmental disorder (monoallelic).

Submission:

MVZ Martinsried, Medicover Genetics
Classification: Uncertain significance for Neurodeveopmental disorder (monoallelic). Last evaluated: 2026-08-04. Review status: criteria provided, single submitter. Criteria: ClinGen Variant Curation SOP V3.2 + Classification Guidance July2025. Collection method: clinical testing. Allele origin: inherited. Affected: yes. Observed: 1 heterozygote.
Comment: PP3_Strong, PM2_Supporting